The following is an entry in ClinVar:

NM_006734.4(HIVEP2):c.6414G>A (p.Met2138Ile)

Gene: HIVEP2 (HIVEP zinc finger 2; minus strand). Cytogenetic location: 6q24.2.
Variant type: single nucleotide variant.
Coding change: c.6414G>A on transcript NM_006734.4 (MANE Select); coding-DNA position 6414, G replaced by A.
Protein change: p.Met2138Ile; replaces methionine 2138 with isoleucine.
Molecular consequence: missense variant.
Genome position (GRCh38, 1-based): chr6:142,759,874, C>T on the plus strand (G>A on the coding strand, the complement: HIVEP2 is on the minus strand). VCF-style: chr6-142759874-C-T. GRCh37 (hg19) VCF-style: chr6-143081011-C-T.
Other names: short protein forms M2138I.
Identifiers: ClinVar variation 2798035 (VCV002798035.3), dbSNP rs2482766598, ClinGen allele CA365886793.

ClinVar aggregate classification (germline): Uncertain significance (1 of 4 stars; one submission).

Submission:

Labcorp Genetics (formerly Invitae), Labcorp
Classification: Uncertain significance. Last evaluated: 2024-03-01. Review status: criteria provided, single submitter. Criteria: Invitae Variant Classification Sherloc (09022015). Collection method: clinical testing. Allele origin: germline.
Comment: This sequence change replaces methionine, which is neutral and non-polar, with isoleucine, which is neutral and non-polar, at codon 2138 of the HIVEP2 protein (p.Met2138Ile). This variant is not present in population databases (gnomAD no frequency). This variant has not been reported in the literature in individuals affected with HIVEP2-related conditions. An algorithm developed to predict the effect of missense changes on protein structure and function (PolyPhen-2) suggests that this variant is likely to be tolerated. In summary, the available evidence is currently insufficient to determine the role of this variant in disease. Therefore, it has been classified as a Variant of Uncertain Significance.